The following is an entry in ClinVar:

ClinVar aggregate classification (germline): Uncertain significance (1 of 4 stars; one submission).

Conditions:
Thrombophilia due to protein C deficiency, autosomal dominant. Also called: PROC DEFICIENCY, AUTOSOMAL DOMINANT; PROTEIN C DEFICIENCY, AUTOSOMAL DOMINANT. Identifiers: Orphanet 745, MedGen C2674321, MONDO:0008316, OMIM 176860. Disease mechanism: loss of function.

Submission:

Labcorp Genetics (formerly Invitae), Labcorp
Classification: Uncertain significance for Thrombophilia due to protein C deficiency, autosomal dominant. Last evaluated: 2024-03-29. Review status: criteria provided, single submitter. Criteria: Invitae Variant Classification Sherloc (09022015). Collection method: clinical testing. Allele origin: germline.
Comment: This sequence change replaces leucine, which is neutral and non-polar, with proline, which is neutral and non-polar, at codon 9 of the PROC protein (p.Leu9Pro). This variant is not present in population databases (gnomAD no frequency). This missense change has been observed in individual(s) with protein C deficiency (PMID: 7951255, 22951146, 25393254). This variant is also known as -34 Leu->Pro, Leu-34Pro, p.Leu8(-34)Pro. An algorithm developed to predict the effect of missense changes on protein structure and function (PolyPhen-2) suggests that this variant is likely to be disruptive. Experimental studies have shown that this missense change affects PROC function (PMID: 25393254). In summary, the available evidence is currently insufficient to determine the role of this variant in disease. Therefore, it has been classified as a Variant of Uncertain Significance.

Literature cited by the submitters: PubMed 7951255; PubMed 22951146; PubMed 25393254.

NM_000312.4(PROC):c.26T>C (p.Leu9Pro)

Gene: PROC (protein C, inactivator of coagulation factors Va and VIIIa; plus strand). Cytogenetic location: 2q14.3.
Variant type: single nucleotide variant.
Coding change: c.26T>C on transcript NM_000312.4 (MANE Select); coding-DNA position 26, T replaced by C.
Protein change: p.Leu9Pro; replaces leucine 9 with proline.
Molecular consequence: missense variant. On other transcripts: intron variant (1).
Genome position (GRCh38, 1-based): chr2:127,419,968, T>C. VCF-style: chr2-127419968-T-C. GRCh37 (hg19) VCF-style: chr2-128177544-T-C.
Other names: c.209T>C, p.Leu70Pro (NM_001375602.1); c.89T>C, p.Leu30Pro (NM_001375603.1, NM_001375604.1, NM_001375606.1); c.26T>C, p.Leu9Pro (NM_001375605.1, NM_001375608.1, NM_001375610.1 and 2 more transcripts); c.145T>C, p.Cys49Arg (NM_001375607.1); c.47-1315T>C (NM_001375609.1); short protein forms C49R, L30P, L70P, L9P.
Identifiers: ClinVar variation 3720360 (VCV003720360.2).